The following is an entry in ClinVar:

NM_014780.5(CUL7):c.4432G>A (p.Asp1478Asn)

Gene: CUL7 (cullin 7; minus strand). Cytogenetic location: 6p21.1.
Variant type: single nucleotide variant.
Coding change: c.4432G>A on transcript NM_014780.5 (MANE Select); coding-DNA position 4432, G replaced by A.
Protein change: p.Asp1478Asn; replaces aspartic acid 1478 with asparagine.
Molecular consequence: missense variant.
Genome position (GRCh38, 1-based): chr6:43,038,850, C>T on the plus strand (G>A on the coding strand, the complement: CUL7 is on the minus strand). VCF-style: chr6-43038850-C-T. GRCh37 (hg19) VCF-style: chr6-43006588-C-T.
Other names: c.4528G>A, p.Asp1510Asn (NM_001168370.2, NM_001374872.1); c.4432G>A, p.Asp1478Asn (NM_001374873.1); c.4429G>A, p.Asp1477Asn (NM_001374874.1); c.4432G>A (NM_014780.4); short protein forms D1477N, D1510N, D1478N.
Identifiers: ClinVar variation 1980416 (VCV001980416.3), dbSNP rs776085552, ClinGen allele CA3813219.

ClinVar aggregate classification (germline): Uncertain significance. Review status: criteria provided, multiple submitters, no conflicts (2 of 4 stars). 2 submissions from 2 submitters: Uncertain significance (2). Last evaluated 2024-03-14.

Conditions:
Inborn genetic diseases. Identifiers: MedGen C0950123, MeSH D030342.

Allele frequency attached by ClinVar (database versions not stated): ExAC 0.00002; TOPMed 0.00003; gnomAD 0.00004.
gnomAD v4.1: 32 of 1,614,034 alleles (0.002%); highest among the groups gnomAD compares: Middle Eastern, 0.049%; no homozygotes.

Submissions (2):

Ambry Genetics
Classification: Uncertain significance for Inborn genetic diseases. Last evaluated: 2024-03-14. Review status: criteria provided, single submitter. Criteria: Ambry Variant Classification Scheme 2023. Collection method: clinical testing. Allele origin: germline.

Labcorp Genetics (formerly Invitae), Labcorp
Classification: Uncertain significance. Last evaluated: 2023-09-13. Review status: criteria provided, single submitter. Criteria: Invitae Variant Classification Sherloc (09022015). Collection method: clinical testing. Allele origin: germline.
Comment: This sequence change replaces aspartic acid, which is acidic and polar, with asparagine, which is neutral and polar, at codon 1478 of the CUL7 protein (p.Asp1478Asn). This variant is present in population databases (rs776085552, gnomAD 0.004%). This variant has not been reported in the literature in individuals affected with CUL7-related conditions. ClinVar contains an entry for this variant (Variation ID: 1980416). Advanced modeling of protein sequence and biophysical properties (such as structural, functional, and spatial information, amino acid conservation, physicochemical variation, residue mobility, and thermodynamic stability) performed at Invitae indicates that this missense variant is not expected to disrupt CUL7 protein function. In summary, the available evidence is currently insufficient to determine the role of this variant in disease. Therefore, it has been classified as a Variant of Uncertain Significance.